The following is an entry in ClinVar:

ClinVar aggregate classification (germline): Pathogenic. Review status: criteria provided, multiple submitters, no conflicts (2 of 4 stars). 5 submissions from 5 submitters: Pathogenic (4). 1 of the submissions does not count toward it. Last evaluated 2025-09-02.

Conditions:
Merosin deficient congenital muscular dystrophy (MDC1A). Also called: Congenital merosin-deficient muscular dystrophy 1A; Congenital Muscular Dystrophy Type 1A (MDC1A). Identifiers: Orphanet 258, MedGen C1263858, MONDO:0011925, OMIM 607855.
Muscular dystrophy, limb-girdle, autosomal recessive 23. Identifiers: Orphanet 565837, MedGen C4748327, MONDO:0029136, OMIM 618138.
LAMA2-related muscular dystrophy (LAMA2-RD). Also called: Laminin alpha 2-related dystrophy. Identifiers: MedGen C5679788, MONDO:0100228.

Allele frequency attached by ClinVar (database versions not stated): ExAC 0.00001.
gnomAD v4.1: 6 of 1,612,214 alleles (0.00037%); highest among the groups gnomAD compares: Non-Finnish European, 0.00051%; no homozygotes.

Submissions (5):

Labcorp Genetics (formerly Invitae), Labcorp
Classification: Pathogenic for LAMA2-related muscular dystrophy. Last evaluated: 2025-09-02. Review status: criteria provided, single submitter. Criteria: Invitae Variant Classification Sherloc (09022015). Collection method: clinical testing. Allele origin: germline.
Comment: This sequence change creates a premature translational stop signal (p.Arg744*) in the LAMA2 gene. It is expected to result in an absent or disrupted protein product. Loss-of-function variants in LAMA2 are known to be pathogenic (PMID: 18700894, 32904964). This variant is present in population databases (rs775676341, gnomAD 0.0009%). This premature translational stop signal has been observed in individual(s) with congenital muscular dystrophy (CMD) (PMID: 11287370, 23326386, 24611677, 27858741). In at least one individual the data is consistent with being in trans (on the opposite chromosome) from a pathogenic variant. It has also been observed to segregate with disease in related individuals. ClinVar contains an entry for this variant (Variation ID: 554268). For these reasons, this variant has been classified as Pathogenic.

First Genomix Gene Laboratory, Genetic Diagnostics Department
Classification: Pathogenic for Merosin deficient congenital muscular dystrophy; Muscular dystrophy, limb-girdle, autosomal recessive 23. Last evaluated: 2025-06-25. Review status: criteria provided, single submitter. Criteria: ACMG Guidelines, 2015. Collection method: clinical testing. Allele origin: germline. Inheritance: Autosomal recessive inheritance. Affected: no. Observed: 1 variant allele.

Fulgent Genetics
Classification: Pathogenic for Merosin deficient congenital muscular dystrophy; Muscular dystrophy, limb-girdle, autosomal recessive 23. Last evaluated: 2024-02-20. Review status: criteria provided, single submitter. Criteria: ACMG Guidelines, 2015. Collection method: clinical testing. Allele origin: germline.

Baylor Genetics
Classification: Pathogenic for Merosin deficient congenital muscular dystrophy. Last evaluated: 2023-03-21. Review status: criteria provided, single submitter. Criteria: ACMG Guidelines, 2015. Collection method: clinical testing. Allele origin: unknown.

Counsyl
Classification: Pathogenic for Merosin deficient congenital muscular dystrophy. Last evaluated: 2017-10-10. Review status: no assertion criteria provided. Collection method: clinical testing. Allele origin: unknown. Not counted in ClinVar's aggregate classification.

Literature cited by the submitters: PubMed 18700894 (cited by Labcorp Genetics (formerly Invitae), Labcorp); PubMed 32904964 (cited by Labcorp Genetics (formerly Invitae), Labcorp); PubMed 11287370 (cited by Labcorp Genetics (formerly Invitae), Labcorp and Counsyl); PubMed 23326386 (cited by Labcorp Genetics (formerly Invitae), Labcorp and Counsyl); PubMed 24611677 (cited by Labcorp Genetics (formerly Invitae), Labcorp and Counsyl); PubMed 27858741 (cited by Labcorp Genetics (formerly Invitae), Labcorp and Counsyl); PubMed 25525159 (cited by Counsyl).

NM_000426.4(LAMA2):c.2230C>T (p.Arg744Ter)

Gene: LAMA2 (laminin subunit alpha 2; plus strand). Cytogenetic location: 6q22.33.
Variant type: single nucleotide variant.
Coding change: c.2230C>T on transcript NM_000426.4 (MANE Select); coding-DNA position 2230, C replaced by T.
Protein change: p.Arg744Ter; replaces arginine 744 with a stop codon.
Molecular consequence: nonsense.
Genome position (GRCh38, 1-based): chr6:129,267,127, C>T. VCF-style: chr6-129267127-C-T. GRCh37 (hg19) VCF-style: chr6-129588272-C-T.
Other names: c.2230C>T, p.Arg744Ter (NM_001079823.2); short protein forms R744*.
Identifiers: ClinVar variation 554268 (VCV000554268.11), dbSNP rs775676341, ClinGen allele CA3992871.